The following is an entry in ClinVar:

ClinVar aggregate classification (germline): Uncertain significance (1 of 4 stars; one submission).

Conditions:
Hereditary cancer-predisposing syndrome. Also called: Neoplastic Syndromes, Hereditary; Hereditary Cancer Syndrome; Tumor predisposition; Hereditary neoplastic syndrome. Identifiers: Orphanet 140162, MedGen C0027672, MeSH D009386, MONDO:0015356.

Submission:

Ambry Genetics
Classification: Uncertain significance for Hereditary cancer-predisposing syndrome. Last evaluated: 2025-01-24. Review status: criteria provided, single submitter. Criteria: Ambry Variant Classification Scheme 2023. Collection method: clinical testing. Allele origin: germline.
Comment: The p.Q670H variant (also known as c.2010G>C), located in coding exon 18 of the POLE gene, results from a G to C substitution at nucleotide position 2010. The glutamine at codon 670 is replaced by histidine, an amino acid with highly similar properties. This amino acid position is conserved. In addition, the in silico prediction for this alteration is inconclusive. Based on the available evidence, the clinical significance of this variant remains unclear.

NM_006231.4(POLE):c.2010G>C (p.Gln670His)

Gene: POLE (DNA polymerase epsilon, catalytic subunit; minus strand). Cytogenetic location: 12q24.33.
Variant type: single nucleotide variant.
Coding change: c.2010G>C on transcript NM_006231.4 (MANE Select); coding-DNA position 2010, G replaced by C.
Protein change: p.Gln670His; replaces glutamine 670 with histidine.
Molecular consequence: missense variant.
Genome position (GRCh38, 1-based): chr12:132,668,651, C>G on the plus strand (G>C on the coding strand, the complement: POLE is on the minus strand). VCF-style: chr12-132668651-C-G. GRCh37 (hg19) VCF-style: chr12-133245237-C-G.
Other names: short protein forms Q670H.
Identifiers: ClinVar variation 3781572 (VCV003781572.1).